The following is an entry in ClinVar:

ClinVar aggregate classification (germline): Uncertain significance. Review status: criteria provided, multiple submitters, no conflicts (2 of 4 stars). 2 submissions from 2 submitters: Uncertain significance (2). Last evaluated 2022-11-23.

Conditions:
Hereditary cancer-predisposing syndrome. Also called: Neoplastic Syndromes, Hereditary; Tumor predisposition; Hereditary Cancer Syndrome; Hereditary neoplastic syndrome. Identifiers: Orphanet 140162, MedGen C0027672, MeSH D009386, MONDO:0015356.

Submissions (2):

Ambry Genetics
Classification: Uncertain significance for Hereditary cancer-predisposing syndrome. Last evaluated: 2022-11-23. Review status: criteria provided, single submitter. Criteria: Ambry Variant Classification Scheme 2023. Collection method: clinical testing. Allele origin: germline.
Comment: The p.D675H variant (also known as c.2023G>C), located in coding exon 13 of the RAD50 gene, results from a G to C substitution at nucleotide position 2023. The aspartic acid at codon 675 is replaced by histidine, an amino acid with similar properties. This amino acid position is conserved. In addition, this alteration is predicted to be tolerated by in silico analysis. Since supporting evidence is limited at this time, the clinical significance of this alteration remains unclear.

Labcorp Genetics (formerly Invitae), Labcorp
Classification: Uncertain significance for Hereditary cancer-predisposing syndrome. Last evaluated: 2022-07-26. Review status: criteria provided, single submitter. Criteria: Invitae Variant Classification Sherloc (09022015). Collection method: clinical testing. Allele origin: germline.
Comment: In summary, the available evidence is currently insufficient to determine the role of this variant in disease. Therefore, it has been classified as a Variant of Uncertain Significance. Algorithms developed to predict the effect of missense changes on protein structure and function are either unavailable or do not agree on the potential impact of this missense change (SIFT: "Deleterious"; PolyPhen-2: "Benign"; Align-GVGD: "Class C0"). This sequence change replaces aspartic acid, which is acidic and polar, with histidine, which is basic and polar, at codon 675 of the RAD50 protein (p.Asp675His). This variant is not present in population databases (gnomAD no frequency). This variant has not been reported in the literature in individuals affected with RAD50-related conditions.

NM_005732.4(RAD50):c.2023G>C (p.Asp675His)

Gene: RAD50 (RAD50 double strand break repair protein; plus strand). Cytogenetic location: 5q31.1.
Variant type: single nucleotide variant.
Coding change: c.2023G>C on transcript NM_005732.4 (MANE Select); coding-DNA position 2023, G replaced by C.
Protein change: p.Asp675His; replaces aspartic acid 675 with histidine.
Molecular consequence: missense variant.
Genome position (GRCh38, 1-based): chr5:132,595,626, G>C. VCF-style: chr5-132595626-G-C. GRCh37 (hg19) VCF-style: chr5-131931318-G-C.
Other names: c.2023G>C (NM_005732.3); short protein forms D675H.
Identifiers: ClinVar variation 1713807 (VCV001713807.7), dbSNP rs2479651821, ClinGen allele CA360949413.